The following is an entry in ClinVar:

ClinVar aggregate classification (germline): Pathogenic (1 of 4 stars; one submission).

Conditions:
Lynch syndrome 5 (LYNCH5). Also called: Colorectal cancer, hereditary nonpolyposis, type 5; Hereditary non-polyposis colorectal cancer, type 5. Identifiers: Orphanet 144, MedGen C1833477, MONDO:0013710, OMIM 614350. Disease mechanism: loss of function.

Submission:

Myriad Genetics, Inc.
Classification: Pathogenic for Lynch syndrome 5. Last evaluated: 2023-08-10. Review status: criteria provided, single submitter. Criteria: Myriad Autosomal Dominant, Autosomal Recessive and X-Linked Classification Criteria (2023). Collection method: clinical testing. Allele origin: unknown.
Comment: This variant is considered pathogenic. This variant creates a termination codon and is predicted to result in premature protein truncation.

NM_000179.3(MSH6):c.588_589del (p.Cys196_Asp197delinsTer)

Gene: MSH6 (mutS homolog 6; plus strand). Cytogenetic location: 2p16.3.
Variant type: Microsatellite.
Coding change: c.588_589del on transcript NM_000179.3 (MANE Select); coding-DNA positions 588 to 589, 2 bases deleted (TG; older notation c.588_589delTG).
Protein change: p.Cys196_Asp197delinsTer.
Molecular consequence: nonsense. On other transcripts: 5 prime UTR variant (2), non-coding transcript variant (5), intron variant (8).
Genome position (GRCh38, 1-based): chr2:47,796,024-47,796,025, TG deleted; deleting any 2 consecutive bases within chr2:47,796,022-47,796,025 gives the same sequence; the c. name uses the placement nearest the transcript's 3' end. VCF-style (leftmost placement, unchanged base first): chr2-47796021-TTG-T. GRCh37 (hg19) VCF-style: chr2-48023160-TTG-T.
Other names: c.-317TG[1] (NM_001281494.2); c.684_685del, p.Cys228_Asp229delinsTer (NM_001406795.1, NM_001406802.1); c.588_589del, p.Cys196_Asp197delinsTer (NM_001406796.1, NM_001406798.1, NM_001406800.1 and 5 more transcripts); c.291_292del, p.Cys97_Asp98delinsTer (NM_001406797.1, NM_001406801.1, NM_001406805.1 and 10 more transcripts); c.63_64del, p.Cys21_Asp22delinsTer (NM_001406799.1, NM_001406806.1, NM_001406807.1); c.510_511del, p.Cys170_Asp171delinsTer (NM_001406804.1); c.594_595del, p.Cys198_Asp199delinsTer (NM_001406813.1); c.-409TG[1] (NM_001406814.1); and 3 more.
Identifiers: ClinVar variation 2673685 (VCV002673685.1), dbSNP rs2530522575, ClinGen allele CA2695200233.